The following is an entry in ClinVar:

NM_139215.3(TAF15):c.1318G>A (p.Asp440Asn)

Gene: TAF15 (TATA-box binding protein associated factor 15; plus strand). Cytogenetic location: 17q12.
Variant type: single nucleotide variant.
Coding change: c.1318G>A on transcript NM_139215.3 (MANE Select); coding-DNA position 1318, G replaced by A.
Protein change: p.Asp440Asn; replaces aspartic acid 440 with asparagine.
Molecular consequence: missense variant.
Genome position (GRCh38, 1-based): chr17:35,844,617, G>A. VCF-style: chr17-35844617-G-A. GRCh37 (hg19) VCF-style: chr17-34171621-G-A.
Other names: p.Asp440Asn; c.1309G>A, p.Asp437Asn (NM_003487.4); short protein forms D437N, D440N.
Identifiers: ClinVar variation 3380482 (VCV003380482.1).

ClinVar aggregate classification (germline): Uncertain significance (1 of 4 stars; one submission).

Submission:

Mayo Clinic Laboratories, Mayo Clinic
Classification: Uncertain significance. Last evaluated: 2023-10-02. Review status: criteria provided, single submitter. Criteria: ACMG Guidelines, 2015. Collection method: clinical testing. Allele origin: germline. Observed: 1 variant allele.
Comment: BP4, PM2_moderate